The following is an entry in ClinVar:

NM_018191.4(RCBTB1):c.225G>T (p.Lys75Asn)

Gene: RCBTB1 (RCC1 and BTB domain containing protein 1; minus strand). Cytogenetic location: 13q14.2.
Variant type: single nucleotide variant.
Coding change: c.225G>T on transcript NM_018191.4 (MANE Select); coding-DNA position 225, G replaced by T.
Protein change: p.Lys75Asn; replaces lysine 75 with asparagine.
Molecular consequence: missense variant. On other transcripts: 5 prime UTR variant (1), non-coding transcript variant (2).
Genome position (GRCh38, 1-based): chr13:49,566,670, C>A on the plus strand (G>T on the coding strand, the complement: RCBTB1 is on the minus strand). VCF-style: chr13-49566670-C-A. GRCh37 (hg19) VCF-style: chr13-50140806-C-A.
Other names: c.225G>T, p.Lys75Asn (NM_001352500.2, NM_001352501.2, NM_001352502.2 and 3 more transcripts); c.-385G>T (NM_001352506.2); c.225G>T (NM_018191.3); short protein forms K75N.
Identifiers: ClinVar variation 1370510 (VCV001370510.8), dbSNP rs1353527973, ClinGen allele CA388195296.

ClinVar aggregate classification (germline): Uncertain significance. Review status: criteria provided, multiple submitters, no conflicts (2 of 4 stars). 2 submissions from 2 submitters: Uncertain significance (2). Last evaluated 2025-10-07.

Allele frequency attached by ClinVar (database versions not stated): gnomAD exomes below 0.00001; gnomAD 0.00001.
gnomAD v4.1: 3 of 1,614,068 alleles (0.00019%); highest among the groups gnomAD compares: Admixed American, 0.0017%; no homozygotes.

Submissions (2):

Ambry Genetics
Classification: Uncertain significance. Last evaluated: 2025-10-07. Review status: criteria provided, single submitter. Criteria: Ambry Variant Classification Scheme 2023. Collection method: clinical testing. Allele origin: germline.

Labcorp Genetics (formerly Invitae), Labcorp
Classification: Uncertain significance. Last evaluated: 2022-11-08. Review status: criteria provided, single submitter. Criteria: Invitae Variant Classification Sherloc (09022015). Collection method: clinical testing. Allele origin: germline.
Comment: This variant has not been reported in the literature in individuals affected with RCBTB1-related conditions. In summary, the available evidence is currently insufficient to determine the role of this variant in disease. Therefore, it has been classified as a Variant of Uncertain Significance. Advanced modeling of protein sequence and biophysical properties (such as structural, functional, and spatial information, amino acid conservation, physicochemical variation, residue mobility, and thermodynamic stability) performed at Invitae indicates that this missense variant is not expected to disrupt RCBTB1 protein function. ClinVar contains an entry for this variant (Variation ID: 1370510). The frequency data for this variant in the population databases is considered unreliable, as metrics indicate poor data quality at this position in the gnomAD database. This sequence change replaces lysine, which is basic and polar, with asparagine, which is neutral and polar, at codon 75 of the RCBTB1 protein (p.Lys75Asn).